The following is an entry in ClinVar:

NM_024921.4(POF1B):c.1566+10G>A

Gene: POF1B (POF1B actin binding protein; minus strand). Cytogenetic location: Xq21.1.
Variant type: single nucleotide variant.
Coding change: c.1566+10G>A on transcript NM_024921.4 (MANE Select); 10 bases into the intron after coding-DNA position 1566, G replaced by A.
Molecular consequence: intron variant.
Genome position (GRCh38, 1-based): chrX:85,304,333, C>T on the plus strand (G>A on the coding strand, the complement: POF1B is on the minus strand). VCF-style: chrX-85304333-C-T. GRCh37 (hg19) VCF-style: chrX-84559339-C-T.
Other names: c.1566+10G>A (NM_001307940.2).
Identifiers: ClinVar variation 730366 (VCV000730366.8), dbSNP rs363785, ClinGen allele CA10464953.

ClinVar aggregate classification (germline): Benign. Review status: criteria provided, multiple submitters, no conflicts (2 of 4 stars). 2 submissions from 2 submitters: Benign (2). Last evaluated 2019-12-31.

Conditions:
Premature ovarian failure 2B. Identifiers: MedGen C1845105, MONDO:0010373, OMIM 300604.

Allele frequency attached by ClinVar (database versions not stated): gnomAD exomes 0.00038 and 0.00133; ExAC 0.00186; 1000 Genomes Project 0.00371; gnomAD 0.00438 and 0.00467; 1000 Genomes Project 30x 0.00458; TOPMed 0.00458; ESP Exome Variant Server 0.00606.
gnomAD v4.1: 919 of 1,167,865 alleles (0.079%); highest among the groups gnomAD compares: African/African-American, 1.5%; 5 homozygotes.

Submissions (2):

Labcorp Genetics (formerly Invitae), Labcorp
Classification: Benign. Last evaluated: 2019-12-31. Review status: criteria provided, single submitter. Criteria: Invitae Variant Classification Sherloc (09022015). Collection method: clinical testing. Allele origin: germline.

Illumina Laboratory Services, Illumina
Classification: Benign for Premature ovarian failure 2B. Last evaluated: 2018-01-12. Review status: criteria provided, single submitter. Criteria: ICSL Variant Classification Criteria 13 December 2019. Collection method: clinical testing. Allele origin: germline.
Comment: This variant was observed in the ICSL laboratory as part of a predisposition screen in an ostensibly healthy population. It had not been previously curated by ICSL or reported in the Human Gene Mutation Database (HGMD: prior to June 1st, 2018), and was therefore a candidate for classification through an automated scoring system. Utilizing variant allele frequency, disease prevalence and penetrance estimates, and inheritance mode, an automated score was calculated to assess if this variant is too frequent to cause the disease. Based on the score and internal cut-off values, a variant classified as benign is not then subjected to further curation. The score for this variant resulted in a classification of benign for this disease.